The following is an entry in ClinVar:

NM_024580.6(EFL1):c.2641C>G (p.Pro881Ala)

Gene: EFL1 (elongation factor like GTPase 1; minus strand). Cytogenetic location: 15q25.2.
Variant type: single nucleotide variant.
Coding change: c.2641C>G on transcript NM_024580.6 (MANE Select); coding-DNA position 2641, C replaced by G.
Protein change: p.Pro881Ala; replaces proline 881 with alanine.
Molecular consequence: missense variant. On other transcripts: non-coding transcript variant (1).
Genome position (GRCh38, 1-based): chr15:82,151,813, G>C on the plus strand (C>G on the coding strand, the complement: EFL1 is on the minus strand). VCF-style: chr15-82151813-G-C. GRCh37 (hg19) VCF-style: chr15-82444154-G-C.
Other names: c.2488C>G, p.Pro830Ala (NM_001040610.3); c.1852C>G, p.Pro618Ala (NM_001322844.2); c.2641C>G, p.Pro881Ala (NM_001322845.2); short protein forms P830A, P881A, P618A.
Identifiers: ClinVar variation 1478339 (VCV001478339.8), dbSNP rs72749532, ClinGen allele CA7697718.

ClinVar aggregate classification (germline): Uncertain significance (1 of 4 stars; one submission).

gnomAD v4.1: 10 of 1,614,016 alleles (0.00062%); highest among the groups gnomAD compares: Admixed American, 0.0017%; no homozygotes.

Submission:

Labcorp Genetics (formerly Invitae), Labcorp
Classification: Uncertain significance. Last evaluated: 2021-01-04. Review status: criteria provided, single submitter. Criteria: Invitae Variant Classification Sherloc (09022015). Collection method: clinical testing. Allele origin: germline.
Comment: In summary, the available evidence is currently insufficient to determine the role of this variant in disease. Therefore, it has been classified as a Variant of Uncertain Significance. Algorithms developed to predict the effect of missense changes on protein structure and function (SIFT, PolyPhen-2, Align-GVGD) all suggest that this variant is likely to be disruptive, but these predictions have not been confirmed by published functional studies and their clinical significance is uncertain. This variant has not been reported in the literature in individuals with EFL1-related conditions. This variant is present in population databases (rs72749532, ExAC 0.001%). This sequence change replaces proline with alanine at codon 881 of the EFL1 protein (p.Pro881Ala). The proline residue is highly conserved and there is a small physicochemical difference between proline and alanine.